The following is an entry in ClinVar:

ClinVar aggregate classification (germline): Pathogenic. Review status: criteria provided, multiple submitters, no conflicts (2 of 4 stars). 3 submissions from 3 submitters: Pathogenic (3). Last evaluated 2026-04-29.

Conditions:
Hereditary cancer-predisposing syndrome. Also called: Tumor predisposition; Hereditary Cancer Syndrome; Hereditary neoplastic syndrome; Neoplastic Syndromes, Hereditary. Identifiers: Orphanet 140162, MedGen C0027672, MeSH D009386, MONDO:0015356.
Bloom syndrome (BLM). Also called: Bloom-Torre-Machacek syndrome. Identifiers: Orphanet 125, MedGen C0005859, MONDO:0008876, OMIM 210900.

Allele frequency attached by ClinVar (database versions not stated): gnomAD exomes below 0.00001.

Submissions (3):

Myriad Genetics, Inc.
Classification: Pathogenic for Bloom syndrome. Last evaluated: 2026-04-29. Review status: criteria provided, single submitter. Criteria: Myriad Autosomal Dominant, Autosomal Recessive and X-Linked Classification Criteria (2023). Collection method: clinical testing. Allele origin: unknown.
Comment: This variant is considered pathogenic. This variant creates a frameshift predicted to result in premature protein truncation.

Labcorp Genetics (formerly Invitae), Labcorp
Classification: Pathogenic for Bloom syndrome. Last evaluated: 2025-10-06. Review status: criteria provided, single submitter. Criteria: Invitae Variant Classification Sherloc (09022015). Collection method: clinical testing. Allele origin: germline.
Comment: This sequence change creates a premature translational stop signal (p.Asp234Argfs*2) in the BLM gene. It is expected to result in an absent or disrupted protein product. Loss-of-function variants in BLM are known to be pathogenic (PMID: 17407155). This variant is not present in population databases (gnomAD no frequency). This variant has not been reported in the literature in individuals affected with BLM-related conditions. ClinVar contains an entry for this variant (Variation ID: 826769). For these reasons, this variant has been classified as Pathogenic.

Ambry Genetics
Classification: Pathogenic for Hereditary cancer-predisposing syndrome. Last evaluated: 2019-03-11. Review status: criteria provided, single submitter. Criteria: Ambry Variant Classification Scheme 2023. Collection method: clinical testing. Allele origin: germline.
Comment: The c.700_713del14 pathogenic mutation, located in coding exon 2 of the BLM gene, results from a deletion of 14 nucleotides at nucleotide positions 700 to 713, causing a translational frameshift with a predicted alternate stop codon (p.D234Rfs*2). This alteration is expected to result in loss of function by premature protein truncation or nonsense-mediated mRNA decay. As such, this alteration is interpreted as a disease-causing mutation.

Literature cited by the submitters: PubMed 17407155 (cited by Labcorp Genetics (formerly Invitae), Labcorp).

NM_000057.4(BLM):c.700_713del (p.Asp234fs)

Gene: BLM (BLM RecQ like helicase; plus strand). Cytogenetic location: 15q26.1.
Variant type: Deletion.
Coding change: c.700_713del on transcript NM_000057.4 (MANE Select); coding-DNA positions 700 to 713, 14 bases deleted (GATGTGATTTGCAT).
Protein change: p.Asp234fs; shifts the reading frame from aspartic acid 234.
Molecular consequence: frameshift variant. On other transcripts: 5 prime UTR variant (1).
Genome position (GRCh38, 1-based): chr15:90,749,968-90,749,981, GATGTGATTTGCAT deleted. VCF-style (leftmost placement, unchanged base first): chr15-90749967-CGATGTGATTTGCAT-C. GRCh37 (hg19) VCF-style: chr15-91293197-CGATGTGATTTGCAT-C.
Other names: c.700_713del, p.Asp234fs (NM_001287246.2, NM_001287247.2); c.-592_-579del (NM_001287248.2); short protein forms D234fs.
Identifiers: ClinVar variation 826769 (VCV000826769.13), dbSNP rs1567035745, ClinGen allele CA915946144.